The following is an entry in ClinVar:

ClinVar aggregate classification (germline): Uncertain significance (1 of 4 stars; one submission).

Submission:

Labcorp Genetics (formerly Invitae), Labcorp
Classification: Uncertain significance. Last evaluated: 2024-07-31. Review status: criteria provided, single submitter. Criteria: Invitae Variant Classification Sherloc (09022015). Collection method: clinical testing. Allele origin: germline.
Comment: This sequence change falls in intron 18 of the LAMB1 gene. It does not directly change the encoded amino acid sequence of the LAMB1 protein. It affects a nucleotide within the consensus splice site. This variant is not present in population databases (gnomAD no frequency). This variant has not been reported in the literature in individuals affected with LAMB1-related conditions. Variants that disrupt the consensus splice site are a relatively common cause of aberrant splicing (PMID: 17576681, 9536098). Algorithms developed to predict the effect of sequence changes on RNA splicing suggest that this variant may disrupt the consensus splice site. In summary, the available evidence is currently insufficient to determine the role of this variant in disease. Therefore, it has been classified as a Variant of Uncertain Significance.

Literature cited by the submitters: PubMed 17576681; PubMed 9536098.

NM_002291.3(LAMB1):c.2315-3C>T

Gene: LAMB1 (laminin subunit beta 1; minus strand). Cytogenetic location: 7q31.1.
Variant type: single nucleotide variant.
Coding change: c.2315-3C>T on transcript NM_002291.3 (MANE Select); 3 bases into the intron before coding-DNA position 2315, C replaced by T.
Molecular consequence: intron variant.
Genome position (GRCh38, 1-based): chr7:107,959,837, G>A on the plus strand (C>T on the coding strand, the complement: LAMB1 is on the minus strand). VCF-style: chr7-107959837-G-A. GRCh37 (hg19) VCF-style: chr7-107600282-G-A.
Identifiers: ClinVar variation 3670849 (VCV003670849.2).